The following is an entry in ClinVar:

ClinVar aggregate classification (germline): Likely pathogenic (1 of 4 stars; one submission).

Submission:

Labcorp Genetics (formerly Invitae), Labcorp
Classification: Likely pathogenic. Last evaluated: 2021-07-31. Review status: criteria provided, single submitter. Criteria: Invitae Variant Classification Sherloc (09022015). Collection method: clinical testing. Allele origin: germline.
Comment: In summary, the currently available evidence indicates that the variant is pathogenic, but additional data are needed to prove that conclusively. Therefore, this variant has been classified as Likely Pathogenic. Algorithms developed to predict the effect of sequence changes on RNA splicing suggest that this variant may disrupt the consensus splice site. This variant has not been reported in the literature in individuals affected with COL7A1-related conditions. The frequency data for this variant in the population databases is not available, as this variant may be reported as separate entries in the ExAC database. This sequence change affects a splice site in intron 6 of the COL7A1 gene. It is expected to disrupt RNA splicing. Variants that disrupt the donor or acceptor splice site typically lead to a loss of protein function (PMID: 16199547), and loss-of-function variants in COL7A1 are known to be pathogenic (PMID: 16971478).

Literature cited by the submitters: PubMed 16199547; PubMed 16971478.

NM_000094.4(COL7A1):c.847-1_847delinsCA

Gene: COL7A1 (collagen type VII alpha 1 chain; minus strand). Cytogenetic location: 3p21.31.
Variant type: Indel.
Coding change: c.847-1_847delinsCA on transcript NM_000094.4 (MANE Select); the canonical splice acceptor site of the intron before coding-DNA position 847 through coding-DNA position 847, GG replaced by CA.
Molecular consequence: splice acceptor variant.
Genome position (GRCh38, 1-based): chr3:48,592,699-48,592,700, CC replaced by TG on the plus strand (GG replaced by CA on the coding strand, the reverse complement: COL7A1 is on the minus strand). VCF-style: chr3-48592699-CC-TG. GRCh37 (hg19) VCF-style: chr3-48630132-CC-TG.
Identifiers: ClinVar variation 1475431 (VCV001475431.6), dbSNP rs2107795483, ClinGen allele CA2573137044.